The following is an entry in ClinVar:

ClinVar aggregate classification (germline): Uncertain significance. Review status: criteria provided, multiple submitters, no conflicts (2 of 4 stars). 2 submissions from 2 submitters: Uncertain significance (2). Last evaluated 2025-04-09.

Conditions:
Hereditary cancer-predisposing syndrome. Also called: Tumor predisposition; Neoplastic Syndromes, Hereditary; Hereditary Cancer Syndrome; Hereditary neoplastic syndrome. Identifiers: Orphanet 140162, MedGen C0027672, MeSH D009386, MONDO:0015356.
Ataxia-telangiectasia syndrome (AT). Also called: ATAXIA-TELANGIECTASIA, COMPLEMENTATION GROUP A; ATAXIA-TELANGIECTASIA, FRESNO VARIANT; Ataxia-telangiectasia; Ataxia-telangiectasia, complementation group D; AT, COMPLEMENTATION GROUP C; Ataxia-telangiectasia, complementation group E. Identifiers: Orphanet 100, MedGen C0004135, MONDO:0008840, OMIM 208900.

Allele frequency attached by ClinVar (database versions not stated): gnomAD exomes below 0.00001.
gnomAD v4.1: 1 of 1,613,266 alleles (0.000062%); highest among the groups gnomAD compares: Non-Finnish European, 0.000085%; no homozygotes.

Submissions (2):

Labcorp Genetics (formerly Invitae), Labcorp
Classification: Uncertain significance for Ataxia-telangiectasia syndrome. Last evaluated: 2025-04-09. Review status: criteria provided, single submitter. Criteria: Invitae Variant Classification Sherloc (09022015). Collection method: clinical testing. Allele origin: germline.
Comment: This sequence change replaces glycine, which is neutral and non-polar, with aspartic acid, which is acidic and polar, at codon 2020 of the ATM protein (p.Gly2020Asp). This variant is not present in population databases (gnomAD no frequency). This missense change has been observed in individual(s) with clinical features of ataxia-telangiectasia (PMID: 31050087). ClinVar contains an entry for this variant (Variation ID: 826160). Invitae Evidence Modeling of protein sequence and biophysical properties (such as structural, functional, and spatial information, amino acid conservation, physicochemical variation, residue mobility, and thermodynamic stability) has been performed for this missense variant. However, the output from this modeling did not meet the statistical confidence thresholds required to predict the impact of this variant on ATM protein function. In summary, the available evidence is currently insufficient to determine the role of this variant in disease. Therefore, it has been classified as a Variant of Uncertain Significance.

Ambry Genetics
Classification: Uncertain significance for Hereditary cancer-predisposing syndrome. Last evaluated: 2023-11-17. Review status: criteria provided, single submitter. Criteria: Ambry Variant Classification Scheme 2023. Collection method: clinical testing. Allele origin: germline.
Comment: The p.G2020D variant (also known as c.6059G>A), located in coding exon 40 of the ATM gene, results from a G to A substitution at nucleotide position 6059. The glycine at codon 2020 is replaced by aspartic acid, an amino acid with similar properties. This alteration was identified along with another ATM alteration in a patient with no classic features of ataxia-telangiectasia (A-T). The authors report the ATM protein derived from this patient&rsquo;s lymphoblastoid cells demonstrated the same nuclear localization and CHK2 phosphorylation as the wild-type cell lines, but showed a reduction in phosphorylation of KAP1 (Fi&eacute;vet A et al. Hum. Mutat., 2019 10;40:1713-1730). This amino acid position is highly conserved in available vertebrate species. In addition, the in silico prediction for this alteration is inconclusive. Since supporting evidence is limited at this time, the clinical significance of this alteration remains unclear.

Literature cited by the submitters: PubMed 31050087 (cited by Labcorp Genetics (formerly Invitae), Labcorp and Ambry Genetics).

NM_000051.4(ATM):c.6059G>A (p.Gly2020Asp)

Genes: ATM (ATM serine/threonine kinase; plus strand), C11orf65 (chromosome 11 open reading frame 65; minus strand). Cytogenetic location: 11q22.3.
Variant type: single nucleotide variant.
Coding change: c.6059G>A on transcript NM_000051.4 (MANE Select); coding-DNA position 6059, G replaced by A.
Protein change: p.Gly2020Asp; replaces glycine 2020 with aspartic acid.
Molecular consequence: missense variant. On other transcripts: intron variant (2).
Genome position (GRCh38, 1-based): chr11:108,315,875, G>A. VCF-style: chr11-108315875-G-A. GRCh37 (hg19) VCF-style: chr11-108186602-G-A.
Other names: c.641-6804C>T (NM_001330368.2); c.*39-6804C>T (NM_001351110.2); c.6059G>A, p.Gly2020Asp (NM_001351834.2); short protein forms G2020D.
Identifiers: ClinVar variation 826160 (VCV000826160.9), dbSNP rs1591776938, ClinGen allele CA382550037.